The following is an entry in ClinVar:

NM_015466.4(PTPN23):c.200T>C (p.Val67Ala)

Gene: PTPN23 (protein tyrosine phosphatase non-receptor type 23; plus strand). Cytogenetic location: 3p21.31.
Variant type: single nucleotide variant.
Coding change: c.200T>C on transcript NM_015466.4 (MANE Select); coding-DNA position 200, T replaced by C.
Protein change: p.Val67Ala; replaces valine 67 with alanine.
Molecular consequence: missense variant. On other transcripts: intron variant (1).
Genome position (GRCh38, 1-based): chr3:47,404,692, T>C. VCF-style: chr3-47404692-T-C. GRCh37 (hg19) VCF-style: chr3-47446182-T-C.
Other names: c.-91-313T>C (NM_001304482.2); short protein forms V67A.
Identifiers: ClinVar variation 1518711 (VCV001518711.8), dbSNP rs2107713051, ClinGen allele CA352540335.

ClinVar aggregate classification (germline): Uncertain significance (1 of 4 stars; one submission).

Submission:

Labcorp Genetics (formerly Invitae), Labcorp
Classification: Uncertain significance. Last evaluated: 2021-03-23. Review status: criteria provided, single submitter. Criteria: Invitae Variant Classification Sherloc (09022015). Collection method: clinical testing. Allele origin: germline.
Comment: This sequence change replaces valine with alanine at codon 67 of the PTPN23 protein (p.Val67Ala). The valine residue is moderately conserved and there is a small physicochemical difference between valine and alanine. In summary, the available evidence is currently insufficient to determine the role of this variant in disease. Therefore, it has been classified as a Variant of Uncertain Significance. Algorithms developed to predict the effect of missense changes on protein structure and function are either unavailable or do not agree on the potential impact of this missense change (SIFT: "Tolerated"; PolyPhen-2: "Not Available"; Align-GVGD: "Class C0"). This variant has not been reported in the literature in individuals with PTPN23-related conditions. This variant is not present in population databases (ExAC no frequency).